The following is an entry in ClinVar:

ClinVar aggregate classification (germline): Conflicting classifications of pathogenicity. Review status: criteria provided, conflicting classifications (1 of 4 stars). 2 submissions from 2 submitters: Uncertain significance (1); Likely benign (1). Last evaluated 2025-03-07.

Conditions:
Inborn genetic diseases. Identifiers: MedGen C0950123, MeSH D030342.

Allele frequency attached by ClinVar (database versions not stated): gnomAD 0.00001; gnomAD exomes 0.00001; TOPMed 0.00002.
gnomAD v4.1: 21 of 1,613,916 alleles (0.0013%); highest among the groups gnomAD compares: Non-Finnish European, 0.00034%; no homozygotes.

Submissions (2):

Labcorp Genetics (formerly Invitae), Labcorp
Classification: Uncertain significance. Last evaluated: 2025-03-07. Review status: criteria provided, single submitter. Criteria: Invitae Variant Classification Sherloc (09022015). Collection method: clinical testing. Allele origin: germline.
Comment: This sequence change replaces glutamine, which is neutral and polar, with glutamic acid, which is acidic and polar, at codon 847 of the DCHS1 protein (p.Gln847Glu). This variant is present in population databases (no rsID available, gnomAD 0.09%). This variant has not been reported in the literature in individuals affected with DCHS1-related conditions. ClinVar contains an entry for this variant (Variation ID: 2888361). Invitae Evidence Modeling of protein sequence and biophysical properties (such as structural, functional, and spatial information, amino acid conservation, physicochemical variation, residue mobility, and thermodynamic stability) has been performed for this missense variant. However, the output from this modeling did not meet the statistical confidence thresholds required to predict the impact of this variant on DCHS1 protein function. In summary, the available evidence is currently insufficient to determine the role of this variant in disease. Therefore, it has been classified as a Variant of Uncertain Significance.

Ambry Genetics
Classification: Likely benign for Inborn genetic diseases. Last evaluated: 2024-12-20. Review status: criteria provided, single submitter. Criteria: Ambry Variant Classification Scheme 2023. Collection method: clinical testing. Allele origin: germline.

NM_003737.4(DCHS1):c.2539C>G (p.Gln847Glu)

Gene: DCHS1 (dachsous cadherin-related 1; minus strand). Cytogenetic location: 11p15.4.
Variant type: single nucleotide variant.
Coding change: c.2539C>G on transcript NM_003737.4 (MANE Select); coding-DNA position 2539, C replaced by G.
Protein change: p.Gln847Glu; replaces glutamine 847 with glutamic acid.
Molecular consequence: missense variant.
Genome position (GRCh38, 1-based): chr11:6,632,973, G>C on the plus strand (C>G on the coding strand, the complement: DCHS1 is on the minus strand). VCF-style: chr11-6632973-G-C. GRCh37 (hg19) VCF-style: chr11-6654204-G-C.
Other names: c.2539C>G (NM_003737.2); short protein forms Q847E.
Identifiers: ClinVar variation 2888361 (VCV002888361.4), dbSNP rs1181017104, ClinGen allele CA379420947.